The following is an entry in ClinVar:

ClinVar aggregate classification (germline): Uncertain significance. Review status: criteria provided, multiple submitters, no conflicts (2 of 4 stars). 2 submissions from 2 submitters: Uncertain significance (2). Last evaluated 2024-02-20.

Conditions:
Cardiovascular phenotype. Identifiers: MedGen CN230736.

Allele frequency attached by ClinVar (database versions not stated): gnomAD exomes below 0.00001; gnomAD 0.00001.
gnomAD v4.1: 3 of 1,614,106 alleles (0.00019%); highest among the groups gnomAD compares: African/African-American, 0.0027%; no homozygotes.

Submissions (2):

GeneDx
Classification: Uncertain significance. Last evaluated: 2024-02-20. Review status: criteria provided, single submitter. Criteria: GeneDx Variant Classification Process June 2021. Collection method: clinical testing. Allele origin: germline. Affected: yes.
Comment: Not observed at significant frequency in large population cohorts (gnomAD); In silico analysis supports that this missense variant has a deleterious effect on protein structure/function; Has not been previously published as pathogenic or benign to our knowledge

Ambry Genetics
Classification: Uncertain significance for Cardiovascular phenotype. Last evaluated: 2021-06-14. Review status: criteria provided, single submitter. Criteria: Ambry Variant Classification Scheme 2023. Collection method: clinical testing. Allele origin: germline.
Comment: The p.Q177L variant (also known as c.530A>T), located in coding exon 6 of the ANK2 gene, results from an A to T substitution at nucleotide position 530. The glutamine at codon 177 is replaced by leucine, an amino acid with dissimilar properties. This amino acid position is conserved. In addition, the in silico prediction for this alteration is inconclusive. Since supporting evidence is limited at this time, the clinical significance of this alteration remains unclear.

NM_001148.6(ANK2):c.530A>T (p.Gln177Leu)

Gene: ANK2 (ankyrin 2; plus strand). Cytogenetic location: 4q26.
Variant type: single nucleotide variant.
Coding change: c.530A>T on transcript NM_001148.6 (MANE Select); coding-DNA position 530, A replaced by T.
Protein change: p.Gln177Leu; replaces glutamine 177 with leucine.
Molecular consequence: missense variant.
Genome position (GRCh38, 1-based): chr4:113,237,033, A>T. VCF-style: chr4-113237033-A-T. GRCh37 (hg19) VCF-style: chr4-114158189-A-T.
Other names: c.467A>T, p.Gln156Leu (NM_001127493.3, NM_001354239.2, NM_001354243.2 and 33 more transcripts); c.530A>T, p.Gln177Leu (NM_001354225.2, NM_001354228.2, NM_001354232.2 and 9 more transcripts); c.575A>T, p.Gln192Leu (NM_001354230.2, NM_001354231.2, NM_001354237.2 and 5 more transcripts); c.512A>T, p.Gln171Leu (NM_001354261.2, NM_001386147.1, NM_001386160.1); c.518A>T, p.Gln173Leu (NM_001354269.3, NM_001386148.2, NM_001386186.2 and 1 more transcripts); c.581A>T, p.Gln194Leu (NM_001386174.1, NM_001386175.1); short protein forms Q156L, Q171L, Q173L, Q177L, Q192L, Q194L.
Identifiers: ClinVar variation 1710684 (VCV001710684.5), dbSNP rs2099388932, ClinGen allele CA357916206.